The following is an entry in ClinVar:

ClinVar aggregate classification (germline): Pathogenic (1 of 4 stars; one submission).

Conditions:
Spastic paraplegia. Identifiers: MedGen C0037772, HP:0001258.

Allele frequency attached by ClinVar (database versions not stated): TOPMed below 0.00001; gnomAD 0.00001.

Submission:

Labcorp Genetics (formerly Invitae), Labcorp
Classification: Pathogenic for Spastic paraplegia. Last evaluated: 2019-02-08. Review status: criteria provided, single submitter. Criteria: Invitae Variant Classification Sherloc (09022015). Collection method: clinical testing. Allele origin: germline.
Comment: For these reasons, this variant has been classified as Pathogenic. This variant disrupts the C-terminus of the B4GALNT1 protein. Other variant(s) that disrupt this region (p.Leu487Thrfs*77) have been determined to be pathogenic (PMID: 24283893, 24103911). This suggests that variants that disrupt this region of the protein are likely to be causative of disease. Experimental studies and prediction algorithms are not available for this variant, and the functional significance of the affected amino acid(s) is currently unknown. This variant has not been reported in the literature in individuals with B4GALNT1-related conditions. This variant is not present in population databases (ExAC no frequency). This sequence change results in a premature translational stop signal in the B4GALNT1 gene (p.Asp482Glufs*82). While this is not anticipated to result in nonsense mediated decay, it is expected to disrupt the last 52 amino acids of the B4GALNT1 protein.

Literature cited by the submitters: PubMed 24283893; PubMed 24103911.

NM_001478.5(B4GALNT1):c.1445dup (p.Asp482fs)

Gene: B4GALNT1 (beta-1,4-N-acetyl-galactosaminyltransferase 1; minus strand). Cytogenetic location: 12q13.3.
Variant type: Duplication.
Coding change: c.1445dup on transcript NM_001478.5 (MANE Select); coding-DNA position 1445, one base duplicated (A; older notation c.1445dupA).
Protein change: p.Asp482fs; shifts the reading frame from aspartic acid 482.
Molecular consequence: frameshift variant.
Genome position (GRCh38, 1-based): chr12:57,626,901, T duplicated on the plus strand (A on the coding strand, the reverse complement: B4GALNT1 is on the minus strand). VCF-style (leftmost placement, unchanged base first): chr12-57626900-A-AT. GRCh37 (hg19) VCF-style: chr12-58020683-A-AT.
Other names: c.1280dup, p.Asp427fs (NM_001276468.2); short protein forms D482fs, D427fs.
Identifiers: ClinVar variation 852385 (VCV000852385.9), dbSNP rs1340636078, ClinGen allele CA690317756.